The following is an entry in ClinVar:

ClinVar aggregate classification (germline): Benign/Likely benign. Review status: criteria provided, multiple submitters, no conflicts (2 of 4 stars). 3 submissions from 3 submitters: Benign (1); Likely benign (2). Last evaluated 2026-05-17.

Conditions:
Ataxia-telangiectasia syndrome (AT). Also called: Ataxia-telangiectasia; LOUIS-BAR SYNDROME; Ataxia-telangiectasia, complementation group D; AT, COMPLEMENTATION GROUP C; ATAXIA-TELANGIECTASIA, COMPLEMENTATION GROUP A; ATAXIA-TELANGIECTASIA, FRESNO VARIANT. Identifiers: Orphanet 100, MedGen C0004135, MONDO:0008840, OMIM 208900.
Hereditary cancer-predisposing syndrome. Also called: Tumor predisposition; Neoplastic Syndromes, Hereditary; Hereditary Cancer Syndrome; Hereditary neoplastic syndrome. Identifiers: Orphanet 140162, MedGen C0027672, MeSH D009386, MONDO:0015356.
Familial cancer of breast. Also called: BREAST CANCER, FAMILIAL; Hereditary breast cancer; hereditary breast carcinoma. Identifiers: Orphanet 227535, MedGen C0346153, MONDO:0016419, OMIM 114480. Disease mechanism: loss of function.

Submissions (3):

Ambry Genetics
Classification: Likely benign for Hereditary cancer-predisposing syndrome. Last evaluated: 2026-05-17. Review status: criteria provided, single submitter. Criteria: Ambry Variant Classification Scheme 2023. Collection method: clinical testing. Allele origin: germline.

Myriad Genetics, Inc.
Classification: Benign for Familial cancer of breast. Last evaluated: 2024-06-17. Review status: criteria provided, single submitter. Criteria: Myriad Autosomal Dominant, Autosomal Recessive and X-Linked Classification Criteria (2023). Collection method: clinical testing. Allele origin: unknown.
Comment: This variant is considered benign. This variant is a silent/synonymous amino acid change and it is not expected to impact splicing.

Labcorp Genetics (formerly Invitae), Labcorp
Classification: Likely benign for Ataxia-telangiectasia syndrome. Last evaluated: 2024-02-24. Review status: criteria provided, single submitter. Criteria: Invitae Variant Classification Sherloc (09022015). Collection method: clinical testing. Allele origin: germline.

NM_000051.4(ATM):c.7932C>T (p.Gly2644=)

Genes: ATM (ATM serine/threonine kinase; plus strand), C11orf65 (chromosome 11 open reading frame 65; minus strand). Cytogenetic location: 11q22.3.
Variant type: single nucleotide variant.
Coding change: c.7932C>T on transcript NM_000051.4 (MANE Select); coding-DNA position 7932, C replaced by T.
Protein change: p.Gly2644=; no amino-acid change (glycine 2644 retained).
Molecular consequence: synonymous variant. On other transcripts: intron variant (2).
Genome position (GRCh38, 1-based): chr11:108,333,890, C>T. VCF-style: chr11-108333890-C-T. GRCh37 (hg19) VCF-style: chr11-108204617-C-T.
Other names: c.7932C>T, p.Gly2644= (NM_001351834.2); c.641-24819G>A (NM_001330368.2); c.*38+1330G>A (NM_001351110.2).
Identifiers: ClinVar variation 1446044 (VCV001446044.10), dbSNP rs2136610997, ClinGen allele CA476677558.
Genomic context (GRCh38, chr11:108,333,890, plus strand): 5'-GACCTTCAATGCTGTTCCTCAGTTTGTCACTAAAATCTCTTCATTTTTAAATACAGAAGG[C>T]ATAAATATTCCAGCAGACCAGCCAATTACTAAACTTAAGAATTTAGAAGATGTTGTTGTC-3'
Protein context (NP_000042.3, residues 2634-2654): DATQWKTQRK[Gly2644=]INIPADQPIT